The following is an entry in ClinVar:

ClinVar aggregate classification (germline): Uncertain significance (1 of 4 stars; one submission).

Conditions:
Bent bone dysplasia syndrome 2 (BBDS2). Identifiers: MedGen C5774233, MONDO:0859573, OMIM 620076.

gnomAD v4.1: 6 of 1,612,472 alleles (0.00037%); highest among the groups gnomAD compares: South Asian, 0.0033%; no homozygotes.

Submission:

Diagnostics Services (NGS), CSIR - Centre For Cellular And Molecular Biology
Classification: Uncertain significance for Bent bone dysplasia syndrome 2. Last evaluated: 2024-04-25. Review status: criteria provided, single submitter. Criteria: ACMG Guidelines, 2015. Collection method: clinical testing. Allele origin: unknown. Affected: no. Observed: 1 variant allele, 1 heterozygote.
Comment: The c.10703C>A variant is not present in population databases like 1000 Genomes, EVS, ExAC, Indian Exome Database or our in-house exome database. The variant is present in gnomAD at a low frequency. This variant has neither been published in literature with LAMA5-related conditions nor reported to the clinical databases like Human Genome Mutation Database (HGMD), ClinVar or OMIM, in any affected individuals. Predictions from different in-silico pathogenicity prediction programs like SIFT, Polyphen-2, MutationTaster2, CADD, Varsome, Franklin, InterVar etc are contradictory.

NM_005560.6(LAMA5):c.10703C>A (p.Pro3568His)

Gene: LAMA5 (laminin subunit alpha 5; minus strand). Cytogenetic location: 20q13.33.
Variant type: single nucleotide variant.
Coding change: c.10703C>A on transcript NM_005560.6 (MANE Select); coding-DNA position 10703, C replaced by A.
Protein change: p.Pro3568His; replaces proline 3568 with histidine.
Molecular consequence: missense variant.
Genome position (GRCh38, 1-based): chr20:62,310,209, G>T on the plus strand (C>A on the coding strand, the complement: LAMA5 is on the minus strand). VCF-style: chr20-62310209-G-T. GRCh37 (hg19) VCF-style: chr20-60885265-G-T.
Other names: short protein forms P3568H.
Identifiers: ClinVar variation 3251980 (VCV003251980.1), dbSNP rs1019745323.